The following is an entry in ClinVar:

NM_004168.4(SDHA):c.895+3A>G

Gene: SDHA (succinate dehydrogenase complex flavoprotein subunit A; plus strand). Cytogenetic location: 5p15.33.
Variant type: single nucleotide variant.
Coding change: c.895+3A>G on transcript NM_004168.4 (MANE Select); 3 bases into the intron after coding-DNA position 895, A replaced by G.
Molecular consequence: intron variant.
Genome position (GRCh38, 1-based): chr5:231,003, A>G. VCF-style: chr5-231003-A-G. GRCh37 (hg19) VCF-style: chr5-231118-A-G.
Other names: c.895+3A>G (NM_001330758.2, NM_004168.2); c.751+3A>G (NM_001294332.2).
Identifiers: ClinVar variation 3762607 (VCV003762607.3).
Genomic context (GRCh38, chr5:231,003, plus strand): 5'-ATCACCAGGGCAGGCCTTCCTTGCCAGGACCTAGAGTTTGTTCAGTTCCACCCTACAGGT[A>G]GGGCAGGACGCCTTGCCCGGCAGGTGTTTGGCTTGTGTGTGTCTTGTAAGCATGTGATGC-3'

ClinVar aggregate classification (germline): Uncertain significance. Review status: criteria provided, multiple submitters, no conflicts (2 of 4 stars). 2 submissions from 2 submitters: Uncertain significance (2). Last evaluated 2025-06-14.

Conditions:
Hereditary cancer-predisposing syndrome. Also called: Hereditary neoplastic syndrome; Neoplastic Syndromes, Hereditary; Tumor predisposition; Hereditary Cancer Syndrome. Identifiers: Orphanet 140162, MedGen C0027672, MeSH D009386, MONDO:0015356.
Mitochondrial complex II deficiency, nuclear type 1. Also called: SUCCINATE CoQ REDUCTASE DEFICIENCY. Identifiers: Orphanet 3208, MedGen C5700310, MONDO:0100294, OMIM 252011.
Pheochromocytoma/paraganglioma syndrome 5. Also called: Paragangliomas 5; SDHA-Related Hereditary Paraganglioma-Pheochromocytoma Syndrome. Identifiers: Orphanet 29072, MedGen C3279992, MONDO:0013602, OMIM 614165.

Submissions (2):

Ambry Genetics
Classification: Uncertain significance for Hereditary cancer-predisposing syndrome. Last evaluated: 2025-06-14. Review status: criteria provided, single submitter. Criteria: Ambry Variant Classification Scheme 2023. Collection method: clinical testing. Allele origin: germline.
Comment: The c.895+3A>G intronic variant results from an A to G substitution 3 nucleotides after coding exon 7 in the SDHA gene. This nucleotide position is well conserved in available vertebrate species. In silico splice site analysis predicts that this alteration may weaken the native splice donor site; however, direct evidence is insufficient at this time (Ambry internal data). Based on the available evidence, the clinical significance of this variant remains unclear.

Labcorp Genetics (formerly Invitae), Labcorp
Classification: Uncertain significance for Pheochromocytoma/paraganglioma syndrome 5; Mitochondrial complex II deficiency, nuclear type 1. Last evaluated: 2024-04-25. Review status: criteria provided, single submitter. Criteria: Invitae Variant Classification Sherloc (09022015). Collection method: clinical testing. Allele origin: germline.
Comment: This sequence change falls in intron 7 of the SDHA gene. It does not directly change the encoded amino acid sequence of the SDHA protein. It affects a nucleotide within the consensus splice site. This variant is not present in population databases (gnomAD no frequency). This variant has not been reported in the literature in individuals affected with SDHA-related conditions. Variants that disrupt the consensus splice site are a relatively common cause of aberrant splicing (PMID: 17576681, 9536098). Algorithms developed to predict the effect of sequence changes on RNA splicing suggest that this variant may disrupt the consensus splice site. In summary, the available evidence is currently insufficient to determine the role of this variant in disease. Therefore, it has been classified as a Variant of Uncertain Significance.

Literature cited by the submitters: PubMed 17576681 (cited by Labcorp Genetics (formerly Invitae), Labcorp); PubMed 9536098 (cited by Labcorp Genetics (formerly Invitae), Labcorp).